The following is an entry in ClinVar:

ClinVar aggregate classification (germline): Pathogenic (1 of 4 stars; one submission).

Conditions:
Gorlin syndrome. Also called: Basal cell nevus syndrome; Nevoid Basal Cell Carcinoma Syndrome. Identifiers: Orphanet 377, MedGen C0004779, MONDO:0007187.

Submission:

Labcorp Genetics (formerly Invitae), Labcorp
Classification: Pathogenic for Gorlin syndrome. Last evaluated: 2023-10-16. Review status: criteria provided, single submitter. Criteria: Invitae Variant Classification Sherloc (09022015). Collection method: clinical testing. Allele origin: germline.
Comment: This sequence change creates a premature translational stop signal (p.Gln84*) in the PTCH1 gene. It is expected to result in an absent or disrupted protein product. Loss-of-function variants in PTCH1 are known to be pathogenic (PMID: 16301862, 16419085). This variant is not present in population databases (gnomAD no frequency). This premature translational stop signal has been observed in individual(s) with PTCH1-related conditions (PMID: 15459969). For these reasons, this variant has been classified as Pathogenic.

Literature cited by the submitters: PubMed 16301862; PubMed 16419085; PubMed 15459969.

NM_000264.5(PTCH1):c.250C>T (p.Gln84Ter)

Gene: PTCH1 (patched 1; minus strand). Cytogenetic location: 9q22.32.
Variant type: single nucleotide variant.
Coding change: c.250C>T on transcript NM_000264.5 (MANE Select); coding-DNA position 250, C replaced by T.
Protein change: p.Gln84Ter; replaces glutamine 84 with a stop codon.
Molecular consequence: nonsense. On other transcripts: 5 prime UTR variant (4), non-coding transcript variant (1).
Genome position (GRCh38, 1-based): chr9:95,506,551, G>A on the plus strand (C>T on the coding strand, the complement: PTCH1 is on the minus strand). VCF-style: chr9-95506551-G-A. GRCh37 (hg19) VCF-style: chr9-98268833-G-A.
Other names: c.52C>T, p.Gln18Ter (NM_001083602.3, NM_001354919.2); c.247C>T, p.Gln83Ter (NM_001083603.3); c.-204C>T (NM_001083604.3, NM_001083605.3, NM_001083606.3 and 1 more transcripts); c.250C>T, p.Gln84Ter (NM_001354918.2); short protein forms Q18*, Q84*, Q83*.
Identifiers: ClinVar variation 2735297 (VCV002735297.3), dbSNP rs2118880072, ClinGen allele CA374120536.